The following is an entry in ClinVar:

NM_000074.3(CD40LG):c.156+2T>C

Gene: CD40LG (CD40 ligand; plus strand). Cytogenetic location: Xq26.3.
Variant type: single nucleotide variant.
Coding change: c.156+2T>C on transcript NM_000074.3 (MANE Select); the canonical splice donor site of the intron after coding-DNA position 156, T replaced by C.
Molecular consequence: splice donor variant.
Genome position (GRCh38, 1-based): chrX:136,648,406, T>C. VCF-style: chrX-136648406-T-C. GRCh37 (hg19) VCF-style: chrX-135730565-T-C.
Identifiers: ClinVar variation 1381599 (VCV001381599.8), dbSNP rs2148550585, ClinGen allele CA414752241.

ClinVar aggregate classification (germline): Pathogenic (1 of 4 stars; one submission).

Conditions:
Hyper-IgM syndrome type 1. Also called: Hyper-IgM Immunodeficiency Syndrome, Type 1; CD40 Ligand Deficiency; X-linked hyper-IgM syndrome; Immunodeficiency, X-linked, with hyper-IgM. Identifiers: Orphanet 101088, MedGen C0398689, MONDO:0010626, OMIM 308230.

Submission:

Labcorp Genetics (formerly Invitae), Labcorp
Classification: Pathogenic for Hyper-IgM syndrome type 1. Last evaluated: 2025-08-29. Review status: criteria provided, single submitter. Criteria: Invitae Variant Classification Sherloc (09022015). Collection method: clinical testing. Allele origin: germline.
Comment: This sequence change affects a donor splice site in intron 1 of the CD40LG gene. It is expected to disrupt RNA splicing. Variants that disrupt the donor or acceptor splice site typically lead to a loss of protein function (PMID: 16199547), and loss-of-function variants in CD40LG are known to be pathogenic (PMID: 15319456). This variant is not present in population databases (gnomAD no frequency). Disruption of this splice site has been observed in individuals with hyper IgM syndrome (PMID: 19575287, 31117086). This variant is also known as IVS1+2T>C. ClinVar contains an entry for this variant (Variation ID: 1381599). Algorithms developed to predict the effect of sequence changes on RNA splicing suggest that this variant may disrupt the consensus splice site. For these reasons, this variant has been classified as Pathogenic.

Literature cited by the submitters: PubMed 16199547; PubMed 15319456; PubMed 19575287; PubMed 31117086.